The following is an entry in ClinVar:

NM_001378452.1(ITPR1):c.2399C>A (p.Thr800Asn)

Gene: ITPR1 (inositol 1,4,5-trisphosphate receptor type 1; plus strand). Cytogenetic location: 3p26.1.
Variant type: single nucleotide variant.
Coding change: c.2399C>A on transcript NM_001378452.1 (MANE Select); coding-DNA position 2399, C replaced by A.
Protein change: p.Thr800Asn; replaces threonine 800 with asparagine.
Molecular consequence: missense variant.
Genome position (GRCh38, 1-based): chr3:4,673,330, C>A. VCF-style: chr3-4673330-C-A. GRCh37 (hg19) VCF-style: chr3-4715014-C-A.
Other names: c.2399C>A, p.Thr800Asn (NM_001099952.4); c.2354C>A, p.Thr785Asn (NM_001168272.2, NM_002222.7); short protein forms T800N, T785N.
Identifiers: ClinVar variation 2239002 (VCV002239002.4), dbSNP rs768078525, ClinGen allele CA2231406.

ClinVar aggregate classification (germline): Uncertain significance. Review status: criteria provided, multiple submitters, no conflicts (2 of 4 stars). 2 submissions from 2 submitters: Uncertain significance (2). Last evaluated 2024-08-29.

Conditions:
Inborn genetic diseases. Identifiers: MedGen C0950123, MeSH D030342.

Allele frequency attached by ClinVar (database versions not stated): ExAC 0.00001.
gnomAD v4.1: 1 of 1,613,422 alleles (0.000062%); highest among the groups gnomAD compares: South Asian, 0.0011%; no homozygotes.

Submissions (2):

Labcorp Genetics (formerly Invitae), Labcorp
Classification: Uncertain significance. Last evaluated: 2024-08-29. Review status: criteria provided, single submitter. Criteria: Invitae Variant Classification Sherloc (09022015). Collection method: clinical testing. Allele origin: germline.
Comment: This sequence change replaces threonine, which is neutral and polar, with asparagine, which is neutral and polar, at codon 785 of the ITPR1 protein (p.Thr785Asn). This variant is present in population databases (rs768078525, gnomAD 0.003%). This variant has not been reported in the literature in individuals affected with ITPR1-related conditions. ClinVar contains an entry for this variant (Variation ID: 2239002). Invitae Evidence Modeling of protein sequence and biophysical properties (such as structural, functional, and spatial information, amino acid conservation, physicochemical variation, residue mobility, and thermodynamic stability) indicates that this missense variant is not expected to disrupt ITPR1 protein function with a negative predictive value of 80%. In summary, the available evidence is currently insufficient to determine the role of this variant in disease. Therefore, it has been classified as a Variant of Uncertain Significance.

Ambry Genetics
Classification: Uncertain significance for Inborn genetic diseases. Last evaluated: 2021-07-20. Review status: criteria provided, single submitter. Criteria: Ambry Variant Classification Scheme 2023. Collection method: clinical testing. Allele origin: germline.